The following is an entry in ClinVar:

ClinVar aggregate classification (germline): Conflicting classifications of pathogenicity. Review status: criteria provided, conflicting classifications (1 of 4 stars). 4 submissions from 4 submitters: Uncertain significance (1); Likely benign (2). 1 of the submissions does not count toward it. Last evaluated 2025-10-23.

Conditions:
AKR1D1-related disorder. Also called: AKR1D1-related condition.

Allele frequency attached by ClinVar (database versions not stated): gnomAD exomes 0.00001 and 0.00002; ExAC 0.00002; TOPMed 0.00002; ESP Exome Variant Server 0.00008.
gnomAD v4.1: 14 of 1,614,014 alleles (0.00087%); highest among the groups gnomAD compares: Admixed American, 0.0083%; no homozygotes.

Submissions (4):

Labcorp Genetics (formerly Invitae), Labcorp
Classification: Likely benign. Last evaluated: 2025-10-23. Review status: criteria provided, single submitter. Criteria: Invitae Variant Classification Sherloc (09022015). Collection method: clinical testing. Allele origin: germline.

Blueprint Genetics
Classification: Likely benign. Last evaluated: 2023-08-14. Review status: criteria provided, single submitter. Criteria: ACMG Guidelines, 2015. Collection method: clinical testing. Allele origin: germline.

Eurofins Ntd Llc (ga)
Classification: Uncertain significance. Last evaluated: 2017-11-02. Review status: criteria provided, single submitter. Criteria: EGL Classification Definitions 2015. Collection method: clinical testing. Allele origin: germline. Observed: 1 variant allele, 1 heterozygote.

PreventionGenetics, part of Exact Sciences
Classification: Likely benign for AKR1D1-related condition. Last evaluated: 2024-09-11. Review status: no assertion criteria provided. Collection method: clinical testing. Allele origin: germline. Not counted in ClinVar's aggregate classification.
Comment: This variant is classified as likely benign based on ACMG/AMP sequence variant interpretation guidelines (Richards et al. 2015 PMID: 25741868, with internal and published modifications).

NM_005989.4(AKR1D1):c.336T>C (p.Asp112=)

Gene: AKR1D1 (aldo-keto reductase family 1 member D1; plus strand). Cytogenetic location: 7q33.
Variant type: single nucleotide variant.
Coding change: c.336T>C on transcript NM_005989.4 (MANE Select); coding-DNA position 336, T replaced by C.
Protein change: p.Asp112=; no amino-acid change (aspartic acid 112 retained).
Molecular consequence: synonymous variant.
Genome position (GRCh38, 1-based): chr7:138,091,842, T>C. VCF-style: chr7-138091842-T-C. GRCh37 (hg19) VCF-style: chr7-137776588-T-C.
Other names: c.336T>C, p.Asp112= (NM_001190906.2, NM_001190907.2); c.336T>C (NM_005989.3).
Identifiers: ClinVar variation 594814 (VCV000594814.9), dbSNP rs200261541, ClinGen allele CA4502657.